The following is an entry in ClinVar:

ClinVar aggregate classification (germline): Likely pathogenic (1 of 4 stars; one submission).

Conditions:
Intellectual developmental disorder, X-linked, syndromic, Claes-Jensen type. Also called: INTELLECTUAL DEVELOPMENTAL DISORDER, X-LINKED, SYNDROMIC 16; MENTAL RETARDATION, X-LINKED, SYNDROMIC 16; Syndromic X-linked intellectual disability Claes-Jensen type. Identifiers: Orphanet 85279, MedGen C1845243, MONDO:0010355, OMIM 300534.

Submission:

Molecular Genetics Laboratory, Motol Hospital
Classification: Likely pathogenic for Intellectual developmental disorder, X-linked, syndromic, Claes-Jensen type. Last evaluated: 2024-11-27. Review status: criteria provided, single submitter. Criteria: ACMG Guidelines, 2015. Collection method: clinical testing. Allele origin: de novo. Affected: yes. Observed: 1 variant allele.
Comment: The variant was confirmed to be of a de novo origin. Rare variants affecting the KDM5C gene are documented as a molecular cause of "Claes-Jensen type of X-linked syndromic intellectual developmental disorder" (OMIM:300534) (PMID:19826449;24583395;18697827). To conclude, the variant is classified as likely pathogenic (ACMG PM2, PS2, PP2, PP3).

Literature cited by the submitters: PubMed 19826449; PubMed 24583395; PubMed 18697827.

NM_004187.5(KDM5C):c.1685A>T (p.Asp562Val)

Gene: KDM5C (lysine demethylase 5C; minus strand). Cytogenetic location: Xp11.22.
Variant type: single nucleotide variant.
Coding change: c.1685A>T on transcript NM_004187.5 (MANE Select); coding-DNA position 1685, A replaced by T.
Protein change: p.Asp562Val; replaces aspartic acid 562 with valine.
Molecular consequence: missense variant. On other transcripts: non-coding transcript variant (3).
Genome position (GRCh38, 1-based): chrX:53,210,475, T>A on the plus strand (A>T on the coding strand, the complement: KDM5C is on the minus strand). VCF-style: chrX-53210475-T-A. GRCh37 (hg19) VCF-style: chrX-53239657-T-A.
Other names: c.1484A>T, p.Asp495Val (NM_001146702.2); c.1682A>T, p.Asp561Val (NM_001282622.3, NM_001353979.2, NM_001353982.2); c.1685A>T, p.Asp562Val (NM_001353978.3, NM_001353981.2, NM_001353984.2); short protein forms D495V, D561V, D562V.
Identifiers: ClinVar variation 3381761 (VCV003381761.2).
Genomic context (GRCh38, chrX:53,210,475, plus strand): 5'-GGCACACCATGGGACATGAGGGTGTTGGGATTCATGAGGGTGACAAGTTGGTGCAGGAGG[T>A]CAGGCTGGCTATCAAATAGTTCAGGTGTCAGCTTCTTCATCACTTCTTCCAAATGTTCTG-3'
Protein context (NP_004178.2, residues 552-572): LTPELFDSQP[Asp562Val]LLHQLVTLMN